The following is an entry in ClinVar:

NM_000143.4(FH):c.677C>T (p.Ala226Val)

Gene: FH (fumarate hydratase; minus strand). Cytogenetic location: 1q43.
Variant type: single nucleotide variant.
Coding change: c.677C>T on transcript NM_000143.4 (MANE Select); coding-DNA position 677, C replaced by T.
Protein change: p.Ala226Val; replaces alanine 226 with valine.
Molecular consequence: missense variant.
Genome position (GRCh38, 1-based): chr1:241,508,664, G>A on the plus strand (C>T on the coding strand, the complement: FH is on the minus strand). VCF-style: chr1-241508664-G-A. GRCh37 (hg19) VCF-style: chr1-241671964-G-A.
Other names: short protein forms A226V.
Identifiers: ClinVar variation 2968592 (VCV002968592.4), dbSNP rs778786425, ClinGen allele CA345439258.

ClinVar aggregate classification (germline): Uncertain significance. Review status: criteria provided, multiple submitters, no conflicts (2 of 4 stars). 2 submissions from 2 submitters: Uncertain significance (2). Last evaluated 2024-11-12.

Conditions:
Hereditary cancer-predisposing syndrome. Also called: Neoplastic Syndromes, Hereditary; Hereditary neoplastic syndrome; Hereditary Cancer Syndrome; Tumor predisposition. Identifiers: Orphanet 140162, MedGen C0027672, MeSH D009386, MONDO:0015356.

gnomAD v4.1: 3 of 1,613,656 alleles (0.00019%); highest among the groups gnomAD compares: Non-Finnish European, 0.00025%; no homozygotes.

Submissions (2):

Ambry Genetics
Classification: Uncertain significance for Hereditary cancer-predisposing syndrome. Last evaluated: 2024-11-12. Review status: criteria provided, single submitter. Criteria: Ambry Variant Classification Scheme 2023. Collection method: clinical testing. Allele origin: germline.
Comment: The p.A226V variant (also known as c.677C>T), located in coding exon 5 of the FH gene, results from a C to T substitution at nucleotide position 677. The alanine at codon 226 is replaced by valine, an amino acid with similar properties. This amino acid position is conserved. In addition, the in silico prediction for this alteration is inconclusive. Based on the available evidence, the clinical significance of this variant remains unclear.

Labcorp Genetics (formerly Invitae), Labcorp
Classification: Uncertain significance. Last evaluated: 2023-04-17. Review status: criteria provided, single submitter. Criteria: Invitae Variant Classification Sherloc (09022015). Collection method: clinical testing. Allele origin: germline.
Comment: This variant has not been reported in the literature in individuals affected with FH-related conditions. In summary, the available evidence is currently insufficient to determine the role of this variant in disease. Therefore, it has been classified as a Variant of Uncertain Significance. Advanced modeling of protein sequence and biophysical properties (such as structural, functional, and spatial information, amino acid conservation, physicochemical variation, residue mobility, and thermodynamic stability) has been performed at Invitae for this missense variant, however the output from this modeling did not meet the statistical confidence thresholds required to predict the impact of this variant on FH protein function. This variant is not present in population databases (gnomAD no frequency). This sequence change replaces alanine, which is neutral and non-polar, with valine, which is neutral and non-polar, at codon 226 of the FH protein (p.Ala226Val).